The following is an entry in ClinVar:

NM_006612.6(KIF1C):c.126G>C (p.Gln42His)

Gene: KIF1C (kinesin family member 1C; plus strand). Cytogenetic location: 17p13.2.
Variant type: single nucleotide variant.
Coding change: c.126G>C on transcript NM_006612.6 (MANE Select); coding-DNA position 126, G replaced by C.
Protein change: p.Gln42His; replaces glutamine 42 with histidine.
Molecular consequence: missense variant.
Genome position (GRCh38, 1-based): chr17:5,000,791, G>C. VCF-style: chr17-5000791-G-C. GRCh37 (hg19) VCF-style: chr17-4904086-G-C.
Other names: short protein forms Q42H.
Identifiers: ClinVar variation 648718 (VCV000648718.11), dbSNP rs202033753, ClinGen allele CA8318450.

ClinVar aggregate classification (germline): Uncertain significance. Review status: criteria provided, multiple submitters, no conflicts (2 of 4 stars). 3 submissions from 3 submitters: Uncertain significance (3). Last evaluated 2025-11-24.

Conditions:
Spastic ataxia 2. Also called: Ataxia, spastic, 2, autosomal recessive. Identifiers: Orphanet 397946, MedGen C1969796, MONDO:0012651, OMIM 611302.
Inborn genetic diseases. Identifiers: MedGen C0950123, MeSH D030342.

Allele frequency attached by ClinVar (database versions not stated): gnomAD exomes 0.00003 and 0.00001; 1000 Genomes Project 0.00020; ExAC 0.00001; 1000 Genomes Project 30x 0.00016; gnomAD 0.00001.
gnomAD v4.1: 18 of 1,614,030 alleles (0.0011%); highest among the groups gnomAD compares: Admixed American, 0.012%; no homozygotes.

Submissions (3):

Ambry Genetics
Classification: Uncertain significance for Inborn genetic diseases. Last evaluated: 2025-11-24. Review status: criteria provided, single submitter. Criteria: Ambry Variant Classification Scheme 2023. Collection method: clinical testing. Allele origin: germline.

Labcorp Genetics (formerly Invitae), Labcorp
Classification: Uncertain significance for Spastic ataxia 2. Last evaluated: 2022-08-17. Review status: criteria provided, single submitter. Criteria: Invitae Variant Classification Sherloc (09022015). Collection method: clinical testing. Allele origin: germline.
Comment: In summary, the available evidence is currently insufficient to determine the role of this variant in disease. Therefore, it has been classified as a Variant of Uncertain Significance. Algorithms developed to predict the effect of missense changes on protein structure and function are either unavailable or do not agree on the potential impact of this missense change (SIFT: "Deleterious"; PolyPhen-2: "Benign"; Align-GVGD: "Class C0"). ClinVar contains an entry for this variant (Variation ID: 648718). This variant has not been reported in the literature in individuals affected with KIF1C-related conditions. This variant is present in population databases (rs202033753, gnomAD 0.01%). This sequence change replaces glutamine, which is neutral and polar, with histidine, which is basic and polar, at codon 42 of the KIF1C protein (p.Gln42His).

GeneDx
Classification: Uncertain significance. Last evaluated: 2019-04-24. Review status: criteria provided, single submitter. Criteria: GeneDx Variant Classification Process June 2021. Collection method: clinical testing. Allele origin: germline. Affected: yes.
Comment: Has not been previously published as pathogenic or benign to our knowledge; Not observed at a significant frequency in large population cohorts (Lek et al., 2016); In silico analysis, which includes protein predictors and evolutionary conservation, supports a deleterious effect